The following is an entry in ClinVar:

NM_024514.5(CYP2R1):c.40C>G (p.Leu14Val)

Genes: CYP2R1 (cytochrome P450 family 2 subfamily R member 1; minus strand), PDE3B (phosphodiesterase 3B; plus strand). Cytogenetic location: 11p15.2.
Variant type: single nucleotide variant.
Coding change: c.40C>G on transcript NM_024514.5 (MANE Select); coding-DNA position 40, C replaced by G.
Protein change: p.Leu14Val; replaces leucine 14 with valine.
Molecular consequence: missense variant. On other transcripts: intron variant (1).
Genome position (GRCh38, 1-based): chr11:14,892,166, G>C on the plus strand (C>G on the coding strand, the complement: CYP2R1 is on the minus strand). VCF-style: chr11-14892166-G-C. GRCh37 (hg19) VCF-style: chr11-14913712-G-C.
Other names: c.-121+199C>G (NM_001400558.1); short protein forms L14V.
Identifiers: ClinVar variation 2084757 (VCV002084757.4), dbSNP rs2494447831, ClinGen allele CA379735281.

ClinVar aggregate classification (germline): Uncertain significance (1 of 4 stars; one submission).

Allele frequency attached by ClinVar (database versions not stated): gnomAD exomes 0.00001.
gnomAD v4.1: 9 of 1,610,770 alleles (0.00056%); highest among the groups gnomAD compares: Non-Finnish European, 0.00068%; no homozygotes.

Submission:

Labcorp Genetics (formerly Invitae), Labcorp
Classification: Uncertain significance. Last evaluated: 2022-08-05. Review status: criteria provided, single submitter. Criteria: Invitae Variant Classification Sherloc (09022015). Collection method: clinical testing. Allele origin: germline.
Comment: In summary, the available evidence is currently insufficient to determine the role of this variant in disease. Therefore, it has been classified as a Variant of Uncertain Significance. Algorithms developed to predict the effect of missense changes on protein structure and function are either unavailable or do not agree on the potential impact of this missense change (SIFT: "Tolerated"; PolyPhen-2: "Not Available"; Align-GVGD: "Class C0"). Algorithms developed to predict the effect of sequence changes on RNA splicing suggest that this variant may create or strengthen a splice site. This sequence change replaces leucine, which is neutral and non-polar, with valine, which is neutral and non-polar, at codon 14 of the CYP2R1 protein (p.Leu14Val). This variant is not present in population databases (gnomAD no frequency). This variant has not been reported in the literature in individuals affected with CYP2R1-related conditions.